The following is an entry in ClinVar:

ClinVar aggregate classification (germline): Uncertain significance. Review status: criteria provided, multiple submitters, no conflicts (2 of 4 stars). 2 submissions from 2 submitters: Uncertain significance (2). Last evaluated 2025-11-26.

Conditions:
Hereditary cancer-predisposing syndrome. Also called: Tumor predisposition; Hereditary Cancer Syndrome; Hereditary neoplastic syndrome; Neoplastic Syndromes, Hereditary. Identifiers: Orphanet 140162, MedGen C0027672, MeSH D009386, MONDO:0015356.
Familial cancer of breast. Also called: Hereditary breast cancer; hereditary breast carcinoma; BREAST CANCER, FAMILIAL. Identifiers: Orphanet 227535, MedGen C0346153, MONDO:0016419, OMIM 114480. Disease mechanism: loss of function.

Submissions (2):

Labcorp Genetics (formerly Invitae), Labcorp
Classification: Uncertain significance for Familial cancer of breast. Last evaluated: 2025-11-26. Review status: criteria provided, single submitter. Criteria: Invitae Variant Classification Sherloc (09022015). Collection method: clinical testing. Allele origin: germline.
Comment: This sequence change replaces serine, which is neutral and polar, with phenylalanine, which is neutral and non-polar, at codon 379 of the CHEK2 protein (p.Ser379Phe). This variant is not present in population databases (gnomAD no frequency). This variant has not been reported in the literature in individuals affected with CHEK2-related conditions. ClinVar contains an entry for this variant (Variation ID: 81938). An algorithm developed to predict the effect of missense changes on protein structure and function (PolyPhen-2) suggests that this variant is likely to be disruptive. In summary, the available evidence is currently insufficient to determine the role of this variant in disease. Therefore, it has been classified as a Variant of Uncertain Significance.

Ambry Genetics
Classification: Uncertain significance for Hereditary cancer-predisposing syndrome. Last evaluated: 2024-11-11. Review status: criteria provided, single submitter. Criteria: Ambry Variant Classification Scheme 2023. Collection method: clinical testing. Allele origin: germline.
Comment: The p.S379F variant (also known as c.1136C>T), located in coding exon 10 of the CHEK2 gene, results from a C to T substitution at nucleotide position 1136. The serine at codon 379 is replaced by phenylalanine, an amino acid with highly dissimilar properties. This amino acid position is well conserved in available vertebrate species. In addition, the in silico prediction for this alteration is inconclusive. Based on the available evidence, the clinical significance of this variant remains unclear.

NM_007194.4(CHEK2):c.1136C>T (p.Ser379Phe)

Gene: CHEK2 (checkpoint kinase 2; minus strand). Cytogenetic location: 22q12.1.
Variant type: single nucleotide variant.
Coding change: c.1136C>T on transcript NM_007194.4 (MANE Select); coding-DNA position 1136, C replaced by T.
Protein change: p.Ser379Phe; replaces serine 379 with phenylalanine.
Molecular consequence: missense variant.
Genome position (GRCh38, 1-based): chr22:28,695,833, G>A on the plus strand (C>T on the coding strand, the complement: CHEK2 is on the minus strand). VCF-style: chr22-28695833-G-A. GRCh37 (hg19) VCF-style: chr22-29091821-G-A.
Other names: c.1265C>T, p.Ser422Phe (NM_001005735.3); c.473C>T, p.Ser158Phe (NM_001257387.3); c.935C>T, p.Ser312Phe (NM_001349956.3); c.1049C>T, p.Ser350Phe (NM_145862.3); short protein forms S379F, S350F, S422F, S312F, S158F.
Identifiers: ClinVar variation 81938 (VCV000081938.15), dbSNP rs267606211, ClinGen allele CA10575611.